The following is an entry in ClinVar:

ClinVar aggregate classification (germline): Uncertain significance (1 of 4 stars; one submission).

Conditions:
Hereditary cancer-predisposing syndrome. Also called: Hereditary neoplastic syndrome; Neoplastic Syndromes, Hereditary; Tumor predisposition; Hereditary Cancer Syndrome. Identifiers: Orphanet 140162, MedGen C0027672, MeSH D009386, MONDO:0015356.

Submission:

Ambry Genetics
Classification: Uncertain significance for Hereditary cancer-predisposing syndrome. Last evaluated: 2025-01-11. Review status: criteria provided, single submitter. Criteria: Ambry Variant Classification Scheme 2023. Collection method: clinical testing. Allele origin: germline.
Comment: The p.Q850E variant (also known as c.2548C>G), located in coding exon 10 of the BRCA2 gene, results from a C to G substitution at nucleotide position 2548. The glutamine at codon 850 is replaced by glutamic acid, an amino acid with highly similar properties. This amino acid position is not well conserved in available vertebrate species. In addition, this alteration is predicted to be tolerated by in silico analysis. Based on the available evidence, the clinical significance of this variant remains unclear.

NM_000059.4(BRCA2):c.2548C>G (p.Gln850Glu)

Gene: BRCA2 (BRCA2 DNA repair associated; plus strand). Cytogenetic location: 13q13.1.
Variant type: single nucleotide variant.
Coding change: c.2548C>G on transcript NM_000059.4 (MANE Select); coding-DNA position 2548, C replaced by G.
Protein change: p.Gln850Glu; replaces glutamine 850 with glutamic acid.
Molecular consequence: missense variant. On other transcripts: non-coding transcript variant (1), intron variant (2).
Genome position (GRCh38, 1-based): chr13:32,336,903, C>G. VCF-style: chr13-32336903-C-G. GRCh37 (hg19) VCF-style: chr13-32911040-C-G.
Other names: c.2548C>G, p.Gln850Glu (NM_001406719.1, NM_001406720.1, NM_001432077.1); c.1909+3516C>G (NM_001406721.1); c.424+5873C>G (NM_001406722.1); short protein forms Q850E.
Identifiers: ClinVar variation 3825404 (VCV003825404.1).